The following is an entry in ClinVar:

ClinVar aggregate classification (germline): Likely benign (0 of 4 stars; one submission).

Conditions:
NIPA2-related disorder. Also called: NIPA2-related condition.

Allele frequency attached by ClinVar (database versions not stated): TOPMed 0.00106; ESP Exome Variant Server 0.00131; 1000 Genomes Project 0.00160; 1000 Genomes Project 30x 0.00172.
gnomAD v4.1: 297 of 1,604,088 alleles (0.019%); highest among the groups gnomAD compares: African/African-American, 0.32%; 2 homozygotes.

Submission:

PreventionGenetics, part of Exact Sciences
Classification: Likely benign for NIPA2-related condition. Last evaluated: 2019-03-01. Review status: no assertion criteria provided. Collection method: clinical testing. Allele origin: germline.
Comment: This variant is classified as likely benign based on ACMG/AMP sequence variant interpretation guidelines (Richards et al. 2015 PMID: 25741868, with internal and published modifications).

NM_030922.7(NIPA2):c.234G>A (p.Ala78=)

Gene: NIPA2 (NIPA magnesium transporter 2; plus strand). Cytogenetic location: 15q11.2.
Variant type: single nucleotide variant.
Coding change: c.234G>A on transcript NM_030922.7 (MANE Select); coding-DNA position 234, G replaced by A.
Protein change: p.Ala78=; no amino-acid change (alanine 78 retained).
Molecular consequence: synonymous variant.
Genome position (GRCh38, 1-based): chr15:22,858,577, G>A. VCF-style: chr15-22858577-G-A. GRCh37 (hg19) VCF-style: chr15-23014491-C-T.
Other names: c.234G>A, p.Ala78= (NM_001008860.3, NM_001008892.3, NM_001184889.2); c.177G>A, p.Ala59= (NM_001008894.3, NM_001184888.2).
Identifiers: ClinVar variation 3051412 (VCV003051412.2), dbSNP rs146520013, ClinGen allele CA7425874.